The following is an entry in ClinVar:

ClinVar aggregate classification (germline): Likely benign. Review status: criteria provided, single submitter (1 of 4 stars). 2 submissions from 2 submitters: Likely benign (1). 1 of the submissions does not count toward it. Last evaluated 2024-10-09.

Conditions:
CFAP410-related disorder. Also called: CFAP410-related condition.

gnomAD v4.1: 3 of 1,474,554 alleles (0.0002%); highest among the groups gnomAD compares: Non-Finnish European, 0.00027%; no homozygotes.

Submissions (2):

Labcorp Genetics (formerly Invitae), Labcorp
Classification: Likely benign. Last evaluated: 2024-10-09. Review status: criteria provided, single submitter. Criteria: Invitae Variant Classification Sherloc (09022015). Collection method: clinical testing. Allele origin: germline.

PreventionGenetics, part of Exact Sciences
Classification: Likely benign for CFAP410-related condition. Last evaluated: 2023-04-27. Review status: no assertion criteria provided. Collection method: clinical testing. Allele origin: germline. Not counted in ClinVar's aggregate classification.
Comment: This variant is classified as likely benign based on ACMG/AMP sequence variant interpretation guidelines (Richards et al. 2015 PMID: 25741868, with internal and published modifications).

NM_004928.3(CFAP410):c.39G>A (p.Lys13=)

Genes: CFAP410 (cilia and flagella associated protein 410; minus strand), LOC130066823 (ATAC-STARR-seq lymphoblastoid silent region 13383; plus strand). Cytogenetic location: 21q22.3.
Variant type: single nucleotide variant.
Coding change: c.39G>A on transcript NM_004928.3 (MANE Select); coding-DNA position 39, G replaced by A.
Protein change: p.Lys13=; no amino-acid change (lysine 13 retained).
Molecular consequence: synonymous variant.
Genome position (GRCh38, 1-based): chr21:44,339,156, C>T on the plus strand (G>A on the coding strand, the complement: CFAP410 is on the minus strand). VCF-style: chr21-44339156-C-T. GRCh37 (hg19) VCF-style: chr21-45759039-C-T.
Other names: c.39G>A, p.Lys13= (NM_001271440.2, NM_001271441.2).
Identifiers: ClinVar variation 3355294 (VCV003355294.3).